The following is an entry in ClinVar:

NM_002470.4(MYH3):c.4100G>A (p.Ser1367Asn)

Gene: MYH3 (myosin heavy chain 3; minus strand). Cytogenetic location: 17p13.1.
Variant type: single nucleotide variant.
Coding change: c.4100G>A on transcript NM_002470.4 (MANE Select); coding-DNA position 4100, G replaced by A.
Protein change: p.Ser1367Asn; replaces serine 1367 with asparagine.
Molecular consequence: missense variant.
Genome position (GRCh38, 1-based): chr17:10,635,439, C>T on the plus strand (G>A on the coding strand, the complement: MYH3 is on the minus strand). VCF-style: chr17-10635439-C-T. GRCh37 (hg19) VCF-style: chr17-10538756-C-T.
Other names: short protein forms S1367N.
Identifiers: ClinVar variation 2155442 (VCV002155442.4), dbSNP rs2074205143, ClinGen allele CA398144834.

ClinVar aggregate classification (germline): Uncertain significance (1 of 4 stars; one submission).

Submission:

Labcorp Genetics (formerly Invitae), Labcorp
Classification: Uncertain significance. Last evaluated: 2022-07-14. Review status: criteria provided, single submitter. Criteria: Invitae Variant Classification Sherloc (09022015). Collection method: clinical testing. Allele origin: germline.
Comment: In summary, the available evidence is currently insufficient to determine the role of this variant in disease. Therefore, it has been classified as a Variant of Uncertain Significance. Algorithms developed to predict the effect of missense changes on protein structure and function are either unavailable or do not agree on the potential impact of this missense change (SIFT: "Deleterious"; PolyPhen-2: "Benign"; Align-GVGD: "Class C45"). This variant has not been reported in the literature in individuals affected with MYH3-related conditions. This variant is not present in population databases (gnomAD no frequency). This sequence change replaces serine, which is neutral and polar, with asparagine, which is neutral and polar, at codon 1367 of the MYH3 protein (p.Ser1367Asn).